The following is an entry in ClinVar:

ClinVar aggregate classification (germline): Uncertain significance (1 of 4 stars; one submission).

Conditions:
Welander distal myopathy (WDM). Also called: Welander distal myopathy, Swedish type; Distal myopathy, Swedish type; MUSCULAR DYSTROPHY, DISTAL, LATE-ONSET, AUTOSOMAL DOMINANT; Gower's muscular dystrophy. Identifiers: Orphanet 603, MedGen C0221054, MONDO:0011466, OMIM 604454.

Submission:

Labcorp Genetics (formerly Invitae), Labcorp
Classification: Uncertain significance for Welander distal myopathy. Last evaluated: 2023-01-03. Review status: criteria provided, single submitter. Criteria: Invitae Variant Classification Sherloc (09022015). Collection method: clinical testing. Allele origin: germline.
Comment: This sequence change creates a premature translational stop signal (p.Arg136*) in the TIA1 gene. It is expected to result in an absent or disrupted protein product. However, the current clinical and genetic evidence is not sufficient to establish whether loss-of-function variants in TIA1 cause disease. This variant is not present in population databases (gnomAD no frequency). This variant has not been reported in the literature in individuals affected with TIA1-related conditions. In summary, the available evidence is currently insufficient to determine the role of this variant in disease. Therefore, it has been classified as a Variant of Uncertain Significance.

NM_022173.4(TIA1):c.406C>T (p.Arg136Ter)

Gene: TIA1 (TIA1 cytotoxic granule associated RNA binding protein; minus strand). Cytogenetic location: 2p13.3.
Variant type: single nucleotide variant.
Coding change: c.406C>T on transcript NM_022173.4 (MANE Select); coding-DNA position 406, C replaced by T.
Protein change: p.Arg136Ter; replaces arginine 136 with a stop codon.
Molecular consequence: nonsense. On other transcripts: 5 prime UTR variant (3), 3 prime UTR variant (2), non-coding transcript variant (17).
Genome position (GRCh38, 1-based): chr2:70,224,622, G>A on the plus strand (C>T on the coding strand, the complement: TIA1 is on the minus strand). VCF-style: chr2-70224622-G-A. GRCh37 (hg19) VCF-style: chr2-70451754-G-A.
Other names: c.406C>T, p.Arg136Ter (NM_001351516.2, NM_001351518.2, NM_001351519.2 and 1 more transcripts); c.-15C>T (NM_001351517.2, NM_001351524.2, NM_001351525.2); c.*39C>T (NM_001351520.2); c.373C>T, p.Arg125Ter (NM_001351521.2, NM_022037.4, NM_001351510.2); c.*37C>T (NM_001351522.2); c.178C>T, p.Arg60Ter (NM_001351523.2, NM_001351514.2); c.103C>T, p.Arg35Ter (NM_001351515.2); c.379C>T, p.Arg127Ter (NM_001351509.2); and 3 more; short protein forms R60*, R127*, R99*, R136*, R35*, R88*, R125*, R90*.
Identifiers: ClinVar variation 3021020 (VCV003021020.3), dbSNP rs2466876681, ClinGen allele CA347155778.
Genomic context (GRCh38, chr2:70,224,622, plus strand): 5'-TGAAAAAGGAGACAAAGCCATATCCCTTAGACTTTCCTGTTGCCATGTCTTTTACCACTC[G>A]GGCATCTCTGAAATCAGAAACAATCAGAAGTTTAGGTTTGCAAACTATCCTCTGGATATC-3'